The following is an entry in ClinVar:

ClinVar aggregate classification (germline): Pathogenic/Likely pathogenic. Review status: criteria provided, multiple submitters, no conflicts (2 of 4 stars). 2 submissions from 2 submitters: Pathogenic (1); Likely pathogenic (1). Last evaluated 2023-05-15.

Conditions:
Hemochromatosis type 3 (HFE3). Also called: TFR2-Related Hemochromatosis; HEMOCHROMATOSIS DUE TO DEFECT IN TRANSFERRIN RECEPTOR 2; Hereditary hemochromatosis type 3. Identifiers: Orphanet 225123, MedGen C1858664, MONDO:0011417, OMIM 604250.
Hereditary hemochromatosis (HFE). Identifiers: MedGen C0392514, MONDO:0006507. Disease mechanism: loss of function.

Allele frequency attached by ClinVar (database versions not stated): gnomAD exomes below 0.00001.
gnomAD v4.1: 2 of 1,543,712 alleles (0.00013%); highest among the groups gnomAD compares: South Asian, 0.0012%; no homozygotes.

Submissions (2):

Baylor Genetics
Classification: Likely pathogenic for Hemochromatosis type 3. Last evaluated: 2023-05-15. Review status: criteria provided, single submitter. Criteria: ACMG Guidelines, 2015. Collection method: clinical testing. Allele origin: unknown.

Labcorp Genetics (formerly Invitae), Labcorp
Classification: Pathogenic for Hereditary hemochromatosis. Last evaluated: 2020-12-10. Review status: criteria provided, single submitter. Criteria: Invitae Variant Classification Sherloc (09022015). Collection method: clinical testing. Allele origin: germline.
Comment: For these reasons, this variant has been classified as Pathogenic. This variant disrupts the C-terminus of the TFR2 protein. Other variant(s) that disrupt this region (p.Trp781*) have been determined to be pathogenic (PMID: 23600741, 26029709). This suggests that variants that disrupt this region of the protein are likely to be causative of disease. Nucleotide substitutions within the consensus splice site are a relatively common cause of aberrant splicing (PMID: 17576681, 9536098). Algorithms developed to predict the effect of sequence changes on RNA splicing suggest that this variant may disrupt the consensus splice site, but this prediction has not been confirmed by published transcriptional studies. This variant has not been reported in the literature in individuals with TFR2-related conditions. This variant is not present in population databases (ExAC no frequency). This sequence change affects a donor splice site in intron 17 of the TFR2 gene. While this variant is not anticipated to result in nonsense mediated decay, it likely alters RNA splicing and results in a disrupted protein product.

Literature cited by the submitters: PubMed 23600741 (cited by Labcorp Genetics (formerly Invitae), Labcorp); PubMed 26029709 (cited by Labcorp Genetics (formerly Invitae), Labcorp); PubMed 17576681 (cited by Labcorp Genetics (formerly Invitae), Labcorp); PubMed 9536098 (cited by Labcorp Genetics (formerly Invitae), Labcorp).

NM_003227.4(TFR2):c.2136+1G>A

Genes: TFR2 (transferrin receptor 2; minus strand), LOC113687175 (Sharpr-MPRA regulatory region 4647; plus strand). Cytogenetic location: 7q22.1.
Variant type: single nucleotide variant.
Coding change: c.2136+1G>A on transcript NM_003227.4 (MANE Select); the canonical splice donor site of the intron after coding-DNA position 2136, G replaced by A.
Molecular consequence: splice donor variant.
Genome position (GRCh38, 1-based): chr7:100,626,762, C>T on the plus strand (G>A on the coding strand, the complement: TFR2 is on the minus strand). VCF-style: chr7-100626762-C-T. GRCh37 (hg19) VCF-style: chr7-100224385-C-T.
Other names: c.1623+1G>A (NM_001206855.3).
Identifiers: ClinVar variation 1405162 (VCV001405162.9), dbSNP rs781427471, ClinGen allele CA163275729.